The following is an entry in ClinVar:

ClinVar aggregate classification (germline): Likely benign (1 of 4 stars; one submission).

Allele frequency attached by ClinVar (database versions not stated): TOPMed 0.00002; gnomAD exomes 0.00207.

Submission:

GeneDx
Classification: Likely benign. Last evaluated: 2017-08-17. Review status: criteria provided, single submitter. Criteria: GeneDx Variant Classification (06012015). Collection method: clinical testing. Allele origin: germline. Affected: yes.
Comment: This variant is considered likely benign or benign based on one or more of the following criteria: it is a conservative change, it occurs at a poorly conserved position in the protein, it is predicted to be benign by multiple in silico algorithms, and/or has population frequency not consistent with disease.

NM_030662.4(MAP2K2):c.-50C>A

Genes: MAP2K2 (mitogen-activated protein kinase kinase 2; minus strand), LOC130063193 (ATAC-STARR-seq lymphoblastoid silent region 9881; plus strand). Cytogenetic location: 19p13.3.
Variant type: single nucleotide variant.
Coding change: c.-50C>A on transcript NM_030662.4 (MANE Select); 50 bases upstream of the start codon, C replaced by A.
Molecular consequence: 5 prime UTR variant.
Genome position (GRCh38, 1-based): chr19:4,123,925, G>T on the plus strand (C>A on the coding strand, the complement: MAP2K2 is on the minus strand). VCF-style: chr19-4123925-G-T. GRCh37 (hg19) VCF-style: chr19-4123922-G-T.
Identifiers: ClinVar variation 516187 (VCV000516187.1), dbSNP rs760176331, ClinGen allele CA9091125.